The following is an entry in ClinVar:

ClinVar aggregate classification (germline): Pathogenic. Review status: criteria provided, multiple submitters, no conflicts (2 of 4 stars). 2 submissions from 2 submitters: Pathogenic (2). Last evaluated 2025-03-26.

Conditions:
EIF2AK4-related disorder. Also called: EIF2AK4-related condition.

Submissions (2):

PreventionGenetics, part of Exact Sciences
Classification: Pathogenic for EIF2AK4-related condition. Last evaluated: 2025-03-26. Review status: criteria provided, single submitter. Criteria: ACMG Guidelines, 2015. Collection method: clinical testing. Allele origin: germline.
Comment: The EIF2AK4 c.2061_2076dup16 variant is predicted to result in a frameshift and premature protein termination (p.Leu693Glufs*46). To our knowledge, this variant has not been reported in the literature or in a large population database (gnomAD), indicating this variant is rare. Frameshift variants in EIF2AK4 are expected to be pathogenic. This variant is interpreted as pathogenic.

Labcorp Genetics (formerly Invitae), Labcorp
Classification: Pathogenic. Last evaluated: 2022-04-03. Review status: criteria provided, single submitter. Criteria: Invitae Variant Classification Sherloc (09022015). Collection method: clinical testing. Allele origin: germline.
Comment: This sequence change creates a premature translational stop signal (p.Leu693Glufs*46) in the EIF2AK4 gene. It is expected to result in an absent or disrupted protein product. Loss-of-function variants in EIF2AK4 are known to be pathogenic (PMID: 12215525, 24135949, 24292273, 24310610, 28972005, 29743074). This variant is not present in population databases (gnomAD no frequency). This variant has not been reported in the literature in individuals affected with EIF2AK4-related conditions. For these reasons, this variant has been classified as Pathogenic.

Literature cited by the submitters: PubMed 12215525 (cited by Labcorp Genetics (formerly Invitae), Labcorp); PubMed 24135949 (cited by Labcorp Genetics (formerly Invitae), Labcorp); PubMed 24292273 (cited by Labcorp Genetics (formerly Invitae), Labcorp); PubMed 24310610 (cited by Labcorp Genetics (formerly Invitae), Labcorp); PubMed 28972005 (cited by Labcorp Genetics (formerly Invitae), Labcorp); PubMed 29743074 (cited by Labcorp Genetics (formerly Invitae), Labcorp).

NM_001013703.4(EIF2AK4):c.2061_2076dup (p.Leu693fs)

Gene: EIF2AK4 (eukaryotic translation initiation factor 2 alpha kinase 4; plus strand). Cytogenetic location: 15q15.1.
Variant type: Duplication.
Coding change: c.2061_2076dup on transcript NM_001013703.4 (MANE Select); coding-DNA positions 2061 to 2076, 16 bases duplicated (GAGCGACACAGACGGC).
Protein change: p.Leu693fs; shifts the reading frame from leucine 693.
Molecular consequence: frameshift variant.
Genome position (GRCh38, 1-based): chr15:39,976,656-39,976,671, GAGCGACACAGACGGC duplicated; duplicating any 16 consecutive bases within chr15:39,976,652-39,976,671 gives the same sequence; the c. name uses the placement nearest the transcript's 3' end. VCF-style (leftmost placement, unchanged base first): chr15-39976651-C-CCGGCGAGCGACACAGA. GRCh37 (hg19) VCF-style: chr15-40268852-C-CCGGCGAGCGACACAGA.
Other names: c.2061_2076dup16 (NM_001013703.3); short protein forms L693fs.
Identifiers: ClinVar variation 1971700 (VCV001971700.6), dbSNP rs2504569936, ClinGen allele CA2575675444.